The following is an entry in ClinVar:

NM_001079802.2(FKTN):c.688C>T (p.Leu230Phe)

Gene: FKTN (fukutin; plus strand). Cytogenetic location: 9q31.2.
Variant type: single nucleotide variant.
Coding change: c.688C>T on transcript NM_001079802.2 (MANE Select); coding-DNA position 688, C replaced by T.
Protein change: p.Leu230Phe; replaces leucine 230 with phenylalanine.
Molecular consequence: missense variant. On other transcripts: non-coding transcript variant (2).
Genome position (GRCh38, 1-based): chr9:105,607,859, C>T. VCF-style: chr9-105607859-C-T. GRCh37 (hg19) VCF-style: chr9-108370140-C-T.
Other names: c.688C>T, p.Leu230Phe (NM_001198963.2, NM_001351496.2, NM_001351498.2 and 1 more transcripts); c.619C>T, p.Leu207Phe (NM_001351497.2); c.292C>T, p.Leu98Phe (NM_001351499.2, NM_001351500.2, NM_001351501.2 and 1 more transcripts); short protein forms L98F, L230F, L207F.
Identifiers: ClinVar variation 4257883 (VCV004257883.1).

ClinVar aggregate classification (germline): Uncertain significance (1 of 4 stars; one submission).

Conditions:
Cardiovascular phenotype. Identifiers: MedGen CN230736.

Submission:

Ambry Genetics
Classification: Uncertain significance for Cardiovascular phenotype. Last evaluated: 2025-09-12. Review status: criteria provided, single submitter. Criteria: Ambry Variant Classification Scheme 2023. Collection method: clinical testing. Allele origin: germline.
Comment: The p.L230F variant (also known as c.688C>T), located in coding exon 5 of the FKTN gene, results from a C to T substitution at nucleotide position 688. The leucine at codon 230 is replaced by phenylalanine, an amino acid with highly similar properties. This amino acid position is conserved. In addition, this alteration is predicted to be tolerated by in silico analysis. Based on the available evidence, the clinical significance of this variant remains unclear.